The following is an entry in ClinVar:

ClinVar aggregate classification (germline): Conflicting classifications of pathogenicity. Review status: criteria provided, conflicting classifications (1 of 4 stars). 2 submissions from 2 submitters: Uncertain significance (1); Likely benign (1). Last evaluated 2026-07-01.

Conditions:
Cardiovascular phenotype. Identifiers: MedGen CN230736.

Submissions (2):

CeGaT Center for Human Genetics Tuebingen
Classification: Uncertain significance. Last evaluated: 2026-07-01. Review status: criteria provided, single submitter. Criteria: CeGaT Center For Human Genetics Tuebingen Variant Classification Criteria Version 2. Collection method: clinical testing. Allele origin: germline. Affected: yes. Observed: 1 variant allele.
Comment: LIPA: PM2, BP4

Ambry Genetics
Classification: Likely benign for Cardiovascular phenotype. Last evaluated: 2026-02-19. Review status: criteria provided, single submitter. Criteria: Ambry Variant Classification Scheme 2023. Collection method: clinical testing. Allele origin: germline.

NM_000235.4(LIPA):c.730G>A (p.Gly244Ser)

Gene: LIPA (lipase A, lysosomal acid type; minus strand). Cytogenetic location: 10q23.31.
Variant type: single nucleotide variant.
Coding change: c.730G>A on transcript NM_000235.4 (MANE Select); coding-DNA position 730, G replaced by A.
Protein change: p.Gly244Ser; replaces glycine 244 with serine.
Molecular consequence: missense variant.
Genome position (GRCh38, 1-based): chr10:89,223,776, C>T on the plus strand (G>A on the coding strand, the complement: LIPA is on the minus strand). VCF-style: chr10-89223776-C-T. GRCh37 (hg19) VCF-style: chr10-90983533-C-T.
Other names: c.730G>A, p.Gly244Ser (NM_001440818.1, NM_001440819.1, NM_001440820.1 and 16 more transcripts); c.751G>A, p.Gly251Ser (NM_001440837.1); c.745G>A, p.Gly249Ser (NM_001440838.1); c.562G>A, p.Gly188Ser (NM_001440839.1); c.382G>A, p.Gly128Ser (NM_001288979.2); c.862G>A, p.Gly288Ser (NM_001440836.1); short protein forms G188S, G249S, G288S, G251S, G244S, G128S.
Identifiers: ClinVar variation 4824633 (VCV004824633.2).